The following is an entry in ClinVar:

ClinVar aggregate classification (germline): Uncertain significance (1 of 4 stars; one submission).

Allele frequency attached by ClinVar (database versions not stated): TOPMed below 0.00001.

Submission:

Labcorp Genetics (formerly Invitae), Labcorp
Classification: Uncertain significance. Last evaluated: 2024-02-16. Review status: criteria provided, single submitter. Criteria: Invitae Variant Classification Sherloc (09022015). Collection method: clinical testing. Allele origin: germline.
Comment: This sequence change replaces proline, which is neutral and non-polar, with alanine, which is neutral and non-polar, at codon 930 of the NEXMIF protein (p.Pro930Ala). This variant is not present in population databases (gnomAD no frequency). This variant has not been reported in the literature in individuals affected with NEXMIF-related conditions. ClinVar contains an entry for this variant (Variation ID: 1935190). Algorithms developed to predict the effect of missense changes on protein structure and function output the following: SIFT: "Not Available"; PolyPhen-2: "Benign"; Align-GVGD: "Not Available". The alanine amino acid residue is found in multiple mammalian species, which suggests that this missense change does not adversely affect protein function. In summary, the available evidence is currently insufficient to determine the role of this variant in disease. Therefore, it has been classified as a Variant of Uncertain Significance.

NM_001008537.3(NEXMIF):c.2788C>G (p.Pro930Ala)

Gene: NEXMIF (neurite extension and migration factor; minus strand). Cytogenetic location: Xq13.3.
Variant type: single nucleotide variant.
Coding change: c.2788C>G on transcript NM_001008537.3 (MANE Select); coding-DNA position 2788, C replaced by G.
Protein change: p.Pro930Ala; replaces proline 930 with alanine.
Molecular consequence: missense variant.
Genome position (GRCh38, 1-based): chrX:74,741,769, G>C on the plus strand (C>G on the coding strand, the complement: NEXMIF is on the minus strand). VCF-style: chrX-74741769-G-C. GRCh37 (hg19) VCF-style: chrX-73961604-G-C.
Other names: short protein forms P930A.
Identifiers: ClinVar variation 1935190 (VCV001935190.5), dbSNP rs978396388, ClinGen allele CA331301746.